The following is an entry in ClinVar:

ClinVar aggregate classification (germline): Conflicting classifications of pathogenicity. Review status: criteria provided, conflicting classifications (1 of 4 stars). 10 submissions from 10 submitters: Likely pathogenic (1); Uncertain significance (7). 2 of the submissions do not count toward it. Last evaluated 2026-07-13.

Conditions:
MYH7-related disorder. Also called: MYH7-related condition; MYH7-related disease; MYH7-related disorders.
Hypertrophic cardiomyopathy 1 (CMH1). Also called: Familial hypertrophic cardiomyopathy 1; MYH7-Related Familial Hypertrophic Cardiomyopathy. Identifiers: MedGen C3495498, MONDO:0008647, OMIM 192600.
Myosin storage myopathy (CMYO7A). Also called: MYH7-related late-onset scapuloperoneal muscular dystrophy; Congenital myopathy 7A, myosin storage, autosomal dominant; MYOPATHY, HYALINE BODY, AUTOSOMAL DOMINANT; MYOPATHY WITH LYSIS OF TYPE I MYOFIBRILS; SCAPULOPERONEAL MUSCULAR DYSTROPHY; SCAPULOPERONEAL SYNDROME, MYOPATHIC TYPE. Identifiers: Orphanet 437572, Orphanet 636965, MedGen C1842160, MONDO:0008409, OMIM 608358.
Dilated cardiomyopathy 1S (CMD1S). Identifiers: Orphanet 154, Orphanet 54260, MedGen C1834481, MONDO:0013262, OMIM 613426.
Congenital myopathy with fiber type disproportion. Also called: Congenital fiber-type disproportion myopathy; Congenital fiber-type disproportion. Identifiers: Orphanet 2020, MedGen C0546264, MONDO:0009711. Inheritance: all.
MYH7-related skeletal myopathy. Also called: Myopathy, distal, 1; Laing distal myopathy; Laing early-onset distal myopathy; MYOPATHY, DISTAL, EARLY-ONSET, AUTOSOMAL DOMINANT; MYOPATHY, LATE DISTAL HEREDITARY. Identifiers: Orphanet 59135, MedGen C4552004, MONDO:0008050, OMIM 160500.
Myopathy, myosin storage, autosomal recessive (CMYO7B). Also called: CONGENITAL MYOPATHY 7B, MYOSIN STORAGE, AUTOSOMAL RECESSIVE. Identifiers: Orphanet 636970, MedGen C1850709, MONDO:0009708, OMIM 255160.
Cardiovascular phenotype. Identifiers: MedGen CN230736.
Cardiomyopathy (CMYO). Also called: Cardiomyopathies. Identifiers: Orphanet 167848, MedGen C0878544, MONDO:0004994, HP:0001638. Inheritance: Various modes of inheritance.
Hypertrophic cardiomyopathy. Also called: HYPERTROPHIC MYOCARDIOPATHY. Identifiers: Orphanet 217569, MedGen C0007194, MeSH D002312, MONDO:0005045, HP:0001639.

Allele frequency attached by ClinVar (database versions not stated): TOPMed below 0.00001; gnomAD 0.00001; gnomAD exomes 0.00001.

Submissions (10):

Ambry Genetics
Classification: Uncertain significance for Cardiovascular phenotype. Last evaluated: 2026-07-13. Review status: criteria provided, single submitter. Criteria: Ambry Variant Classification Scheme 2023. Collection method: clinical testing. Allele origin: germline.
Comment: The p.M165V variant (also known as c.493A>G), located in coding exon 3 of the MYH7 gene, results from an A to G substitution at nucleotide position 493. The methionine at codon 165 is replaced by valine, an amino acid with highly similar properties. This amino acid position is highly conserved in available vertebrate species. In addition, this alteration is predicted to be deleterious by in silico analysis. Based on the available evidence, the clinical significance of this variant remains unclear.

PreventionGenetics, part of Exact Sciences
Classification: Uncertain significance for MYH7-related condition. Last evaluated: 2026-01-21. Review status: criteria provided, single submitter. Criteria: ACMG Guidelines, 2015. Collection method: clinical testing. Allele origin: germline.
Comment: The MYH7 c.493A>G variant is predicted to result in the amino acid substitution p.Met165Val. This variant has been reported in 4 unaffected individuals from a cardiomyopathy cohort study (Table S6, Park et al. 2022. PubMed ID: 34542152). This variant is reported in 0.0028% of alleles in individuals of Latino descent in gnomAD. An alternate nucleotide change affecting the same amino acid (p.Met165Ile) has been reported in an individual with noncompaction cardiomyopathy and 2 individuals with dilated cardiomyopathy, but was interpreted as uncertain significance (Online Table 1a, van Waning et al. 2018. PubMed ID: 29447731; Table S2, van der Meulen et al. 2022. PubMed ID: 36178741). At this time, the clinical significance of the c.493A>G (p.Met165Val) variant is uncertain due to the absence of conclusive functional and genetic evidence.

Labcorp Genetics (formerly Invitae), Labcorp
Classification: Likely pathogenic for Hypertrophic cardiomyopathy. Last evaluated: 2025-07-05. Review status: criteria provided, single submitter. Criteria: Invitae Variant Classification Sherloc (09022015). Collection method: clinical testing. Allele origin: germline.
Comment: This sequence change replaces methionine, which is neutral and non-polar, with valine, which is neutral and non-polar, at codon 165 of the MYH7 protein (p.Met165Val). This variant is present in population databases (rs730880839, gnomAD 0.003%). This variant has not been reported in the literature in individuals affected with MYH7-related conditions. ClinVar contains an entry for this variant (Variation ID: 181307). Invitae Evidence Modeling of protein sequence and biophysical properties (such as structural, functional, and spatial information, amino acid conservation, physicochemical variation, residue mobility, and thermodynamic stability) indicates that this missense variant is expected to disrupt MYH7 protein function with a positive predictive value of 95%. This variant disrupts the p.Met165 amino acid residue in MYH7. Other variant(s) that disrupt this residue have been determined to be pathogenic (internal data). This suggests that this residue is clinically significant, and that variants that disrupt this residue are likely to be disease-causing. In summary, the currently available evidence indicates that the variant is pathogenic, but additional data are needed to prove that conclusively. Therefore, this variant has been classified as Likely Pathogenic.

All of Us Research Program, National Institutes of Health
Classification: Uncertain significance for Cardiomyopathy. Last evaluated: 2024-06-11. Review status: criteria provided, single submitter. Criteria: ACMG Guidelines, 2015. Collection method: clinical testing. Allele origin: germline. Inheritance: Autosomal dominant inheritance. Observed: 3 variant alleles, 3 heterozygotes.
Comment: This missense variant replaces methionine with valine at codon 165 of the MYH7 protein. Computational prediction suggests that this variant may have a deleterious impact on protein structure and function (internally defined REVEL score threshold >= 0.7, PMID: 27666373). To our knowledge, functional studies have not been reported for this variant. This variant has not been reported in individuals affected with MYH7-related disorders in the literature. This variant has been identified in 3/282874 chromosomes in the general population by the Genome Aggregation Database (gnomAD). The available evidence is insufficient to determine the role of this variant in disease conclusively. Therefore, this variant is classified as a Variant of Uncertain Significance.

This study involves interpretation of variants in research participants for the purpose of population health screening. Participant phenotype was not available at the time of variant classification. Additional details can be found in publication PMID: 35346344, PMCID: PMC8962531

Color Diagnostics, LLC DBA Color Health
Classification: Uncertain significance for Cardiomyopathy. Last evaluated: 2023-09-08. Review status: criteria provided, single submitter. Criteria: ACMG Guidelines, 2015. Collection method: clinical testing. Allele origin: germline.
Comment: This missense variant replaces methionine with valine at codon 165 of the MYH7 protein. Computational prediction suggests that this variant may have a deleterious impact on protein structure and function (internally defined REVEL score threshold >= 0.7, PMID: 27666373). To our knowledge, functional studies have not been reported for this variant. This variant has not been reported in individuals affected with MYH7-related disorders in the literature. This variant has been identified in 3/282874 chromosomes in the general population by the Genome Aggregation Database (gnomAD). The available evidence is insufficient to determine the role of this variant in disease conclusively. Therefore, this variant is classified as a Variant of Uncertain Significance.

Fulgent Genetics
Classification: Uncertain significance for MYH7-related skeletal myopathy; Myosin storage myopathy; Hypertrophic cardiomyopathy 1; Myopathy, myosin storage, autosomal recessive; Congenital myopathy 4A, autosomal dominant; Dilated cardiomyopathy 1S. Last evaluated: 2021-08-06. Review status: criteria provided, single submitter. Criteria: ACMG Guidelines, 2015. Collection method: clinical testing. Allele origin: unknown.

GeneDx
Classification: Uncertain significance. Last evaluated: 2017-04-04. Review status: criteria provided, single submitter. Criteria: GeneDx Variant Classification (06012015). Collection method: clinical testing. Allele origin: germline. Affected: yes.
Comment: The Met165Val variant in the MYH7 gene has not been reported as a pathogenic variant or as a benign polymorphism to our knowledge. Met165Val results in a conservative amino acid substitution of one non-polar amino acid for another at a position that is conserved across species. In silico analysis predicts Met165Val is damaging to the protein structure/function. Variants in nearby residues (Tyr162Cys, Tyr162His, Tyr177Ile) have been reported in association with cardiomyopathy, further supporting the functional importance of this region of the protein. Furthermore, Met165Val was not present in the 1000 Genomes database, and the NHLBI ESP Exome Variant Server reports Met165Val was not observed in approximately 6000 samples from individuals of European and African American backgrounds, indicating it is not a common benign variant in these populations. Therefore, based on the currently available information, it is unclear whether this variant is a pathogenic variant or a rare benign variant.

Stanford Center for Inherited Cardiovascular Disease, Stanford University
Classification: Uncertain significance. Last evaluated: 2012-08-22. Review status: criteria provided, single submitter. Criteria: ACMG Guidelines, 2015. Collection method: provider interpretation. Allele origin: germline.

Clinical Genetics DNA and cytogenetics Diagnostics Lab, Erasmus MC, Erasmus Medical Center
Classification: Uncertain significance. Review status: no assertion criteria provided. Collection method: clinical testing. Allele origin: germline. Affected: yes. Study: VKGL Data-share Consensus. Not counted in ClinVar's aggregate classification.

Joint Genome Diagnostic Labs from Nijmegen and Maastricht, Radboudumc and MUMC+
Classification: Uncertain significance. Review status: no assertion criteria provided. Collection method: clinical testing. Allele origin: germline. Affected: yes. Study: VKGL Data-share Consensus. Not counted in ClinVar's aggregate classification.

NM_000257.4(MYH7):c.493A>G (p.Met165Val)

Gene: MYH7 (myosin heavy chain 7; minus strand). Cytogenetic location: 14q11.2.
Variant type: single nucleotide variant.
Coding change: c.493A>G on transcript NM_000257.4 (MANE Select); coding-DNA position 493, A replaced by G.
Protein change: p.Met165Val; replaces methionine 165 with valine.
Molecular consequence: missense variant.
Genome position (GRCh38, 1-based): chr14:23,432,648, T>C on the plus strand (A>G on the coding strand, the complement: MYH7 is on the minus strand). VCF-style: chr14-23432648-T-C. GRCh37 (hg19) VCF-style: chr14-23901857-T-C.
Other names: p.M165V:ATG>GTG; c.493A>G (LRG_384t1); short protein forms M165V.
Identifiers: ClinVar variation 181307 (VCV000181307.27), dbSNP rs730880839, ClinGen allele CA015475.